The following is an entry in ClinVar:

ClinVar aggregate classification (germline): Pathogenic (1 of 4 stars; one submission).

Conditions:
Breast-ovarian cancer, familial, susceptibility to, 4. Identifiers: Orphanet 145, MedGen C3280345, MONDO:0013669, OMIM 614291.

Submission:

Labcorp Genetics (formerly Invitae), Labcorp
Classification: Pathogenic for Breast-ovarian cancer, familial, susceptibility to, 4. Last evaluated: 2025-02-18. Review status: criteria provided, single submitter. Criteria: Invitae Variant Classification Sherloc (09022015). Collection method: clinical testing. Allele origin: germline.
Comment: This sequence change creates a premature translational stop signal (p.Asp156Glufs*2) in the RAD51D gene. It is expected to result in an absent or disrupted protein product. Loss-of-function variants in RAD51D are known to be pathogenic (PMID: 21822267). This variant is not present in population databases (gnomAD no frequency). This variant has not been reported in the literature in individuals affected with RAD51D-related conditions. Algorithms developed to predict the effect of sequence changes on RNA splicing suggest that this variant may disrupt the consensus splice site. For these reasons, this variant has been classified as Pathogenic.

Literature cited by the submitters: PubMed 21822267.

NM_002878.4(RAD51D):c.467dup (p.Asp156fs)

Genes: RAD51D (RAD51 paralog D; minus strand), RAD51L3-RFFL (RAD51L3-RFFL readthrough; minus strand). Cytogenetic location: 17q12.
Variant type: Duplication.
Coding change: c.467dup on transcript NM_002878.4 (MANE Select); coding-DNA position 467, one base duplicated (A; older notation c.467dupA).
Protein change: p.Asp156fs; shifts the reading frame from aspartic acid 156.
Molecular consequence: frameshift variant. On other transcripts: non-coding transcript variant (1), intron variant (1).
Genome position (GRCh38, 1-based): chr17:35,107,001, T duplicated on the plus strand (A on the coding strand, the reverse complement: RAD51D is on the minus strand). VCF-style (leftmost placement, unchanged base first): chr17-35107000-A-AT. GRCh37 (hg19) VCF-style: chr17-33434019-A-AT.
Other names: c.527dup, p.Asp176fs (NM_001142571.2); c.145-520dup (NM_133629.3); short protein forms D156fs, D176fs.
Identifiers: ClinVar variation 4713333 (VCV004713333.1).